The following is an entry in ClinVar:

ClinVar aggregate classification (germline): Uncertain significance (1 of 4 stars; one submission).

Conditions:
Mucopolysaccharidosis type 7 (MPS7). Also called: BETA-GLUCURONIDASE DEFICIENCY; SLY SYNDROME; GUSB DEFICIENCY; MPS VII. Identifiers: Orphanet 584, MedGen C0085132, MONDO:0009662, OMIM 253220.

Allele frequency attached by ClinVar (database versions not stated): gnomAD 0.00001; gnomAD exomes 0.00001; TOPMed 0.00001.
gnomAD v4.1: 15 of 1,606,912 alleles (0.00093%); highest among the groups gnomAD compares: African/African-American, 0.0013%; no homozygotes.

Submission:

Labcorp Genetics (formerly Invitae), Labcorp
Classification: Uncertain significance for Mucopolysaccharidosis type 7. Last evaluated: 2021-10-29. Review status: criteria provided, single submitter. Criteria: Invitae Variant Classification Sherloc (09022015). Collection method: clinical testing. Allele origin: germline.
Comment: This sequence change replaces proline, which is neutral and non-polar, with leucine, which is neutral and non-polar, at codon 67 of the GUSB protein (p.Pro67Leu). The frequency data for this variant in the population databases is considered unreliable, as metrics indicate poor data quality at this position in the gnomAD database. This variant has not been reported in the literature in individuals affected with GUSB-related conditions. Algorithms developed to predict the effect of missense changes on protein structure and function are either unavailable or do not agree on the potential impact of this missense change (SIFT: "Tolerated"; PolyPhen-2: "Possibly Damaging"; Align-GVGD: "Class C0"). In summary, the available evidence is currently insufficient to determine the role of this variant in disease. Therefore, it has been classified as a Variant of Uncertain Significance.

NM_000181.4(GUSB):c.200C>T (p.Pro67Leu)

Gene: GUSB (glucuronidase beta; minus strand). Cytogenetic location: 7q11.21.
Variant type: single nucleotide variant.
Coding change: c.200C>T on transcript NM_000181.4 (MANE Select); coding-DNA position 200, C replaced by T.
Protein change: p.Pro67Leu; replaces proline 67 with leucine.
Molecular consequence: missense variant. On other transcripts: 5 prime UTR variant (2), non-coding transcript variant (1).
Genome position (GRCh38, 1-based): chr7:65,981,984, G>A on the plus strand (C>T on the coding strand, the complement: GUSB is on the minus strand). VCF-style: chr7-65981984-G-A. GRCh37 (hg19) VCF-style: chr7-65446971-G-A.
Other names: c.200C>T, p.Pro67Leu (NM_001284290.2); c.-186C>T (NM_001293104.2); c.-130C>T (NM_001293105.2); short protein forms P67L.
Identifiers: ClinVar variation 1369247 (VCV001369247.3), dbSNP rs948834547, ClinGen allele CA159911062.